The following is an entry in ClinVar:

ClinVar aggregate classification (germline): Uncertain significance (1 of 4 stars; one submission).

Conditions:
Pityriasis rubra pilaris (PRP). Also called: Pityriasis rubra pilaris--familial type. Identifiers: Orphanet 2897, MedGen C0032027, MONDO:0100017, OMIM 173200, MONDO:0008251.
Psoriasis 2. Identifiers: MedGen C1864497, MONDO:0011269, OMIM 602723.

Allele frequency attached by ClinVar (database versions not stated): TOPMed below 0.00001; gnomAD 0.00001 and 0.00003; gnomAD exomes 0.00002 and 0.00003; ExAC 0.00007.
gnomAD v4.1: 33 of 1,613,834 alleles (0.002%); highest among the groups gnomAD compares: South Asian, 0.014%; no homozygotes.

Submission:

Labcorp Genetics (formerly Invitae), Labcorp
Classification: Uncertain significance for Pityriasis rubra pilaris; Psoriasis 2. Last evaluated: 2025-07-21. Review status: criteria provided, single submitter. Criteria: Invitae Variant Classification Sherloc (09022015). Collection method: clinical testing. Allele origin: germline.
Comment: This sequence change replaces alanine, which is neutral and non-polar, with valine, which is neutral and non-polar, at codon 673 of the CARD14 protein (p.Ala673Val). This variant is present in population databases (rs753197925, gnomAD 0.01%). This variant has not been reported in the literature in individuals affected with CARD14-related conditions. ClinVar contains an entry for this variant (Variation ID: 941604). Invitae Evidence Modeling of protein sequence and biophysical properties (such as structural, functional, and spatial information, amino acid conservation, physicochemical variation, residue mobility, and thermodynamic stability) indicates that this missense variant is not expected to disrupt CARD14 protein function with a negative predictive value of 95%. In summary, the available evidence is currently insufficient to determine the role of this variant in disease. Therefore, it has been classified as a Variant of Uncertain Significance.

NM_001366385.1(CARD14):c.2018C>T (p.Ala673Val)

Genes: CARD14 (caspase recruitment domain family member 14; plus strand), SGSH (N-sulfoglucosamine sulfohydrolase; minus strand). Cytogenetic location: 17q25.3.
Variant type: single nucleotide variant.
Coding change: c.2018C>T on transcript NM_001366385.1 (MANE Select); coding-DNA position 2018, C replaced by T.
Protein change: p.Ala673Val; replaces alanine 673 with valine.
Molecular consequence: missense variant. On other transcripts: non-coding transcript variant (1).
Genome position (GRCh38, 1-based): chr17:80,202,219, C>T. VCF-style: chr17-80202219-C-T. GRCh37 (hg19) VCF-style: chr17-78176018-C-T.
Other names: c.2018C>T, p.Ala673Val (NM_001257970.1, NM_024110.4); short protein forms A673V.
Identifiers: ClinVar variation 941604 (VCV000941604.10), dbSNP rs753197925, ClinGen allele CA8817164.